The following is an entry in ClinVar:

ClinVar aggregate classification (germline): Uncertain significance (1 of 4 stars; one submission).

Submission:

Labcorp Genetics (formerly Invitae), Labcorp
Classification: Uncertain significance. Last evaluated: 2023-12-11. Review status: criteria provided, single submitter. Criteria: Invitae Variant Classification Sherloc (09022015). Collection method: clinical testing. Allele origin: germline.
Comment: This sequence change replaces arginine, which is basic and polar, with tryptophan, which is neutral and slightly polar, at codon 2271 of the FN1 protein (p.Arg2271Trp). This variant is not present in population databases (gnomAD no frequency). This variant has not been reported in the literature in individuals affected with FN1-related conditions. An algorithm developed to predict the effect of missense changes on protein structure and function (PolyPhen-2) suggests that this variant is likely to be disruptive. In summary, the available evidence is currently insufficient to determine the role of this variant in disease. Therefore, it has been classified as a Variant of Uncertain Significance.

NM_212482.4(FN1):c.6811A>T (p.Arg2271Trp)

Gene: FN1 (fibronectin 1; minus strand). Cytogenetic location: 2q35.
Variant type: single nucleotide variant.
Coding change: c.6811A>T on transcript NM_212482.4 (MANE Select); coding-DNA position 6811, A replaced by T.
Protein change: p.Arg2271Trp; replaces arginine 2271 with tryptophan.
Molecular consequence: missense variant.
Genome position (GRCh38, 1-based): chr2:215,370,336, T>A on the plus strand (A>T on the coding strand, the complement: FN1 is on the minus strand). VCF-style: chr2-215370336-T-A. GRCh37 (hg19) VCF-style: chr2-216235059-T-A.
Other names: c.6718A>T, p.Arg2240Trp (NM_001306129.2); c.6181A>T, p.Arg2061Trp (NM_001306130.2); c.6175A>T, p.Arg2059Trp (NM_001306131.2); c.6100A>T, p.Arg2034Trp (NM_001306132.2); c.6541A>T, p.Arg2181Trp (NM_001365517.2); c.6538A>T, p.Arg2180Trp (NM_001365518.2); c.6466A>T, p.Arg2156Trp (NM_001365519.2); c.6463A>T, p.Arg2155Trp (NM_001365520.2); and 8 more; short protein forms R2149W, R2156W, R2181W, R2155W, R2180W, R2240W, R2059W, R2065W.
Identifiers: ClinVar variation 2748831 (VCV002748831.3), dbSNP rs2469274431, ClinGen allele CA350464455.